The following is an entry in ClinVar:

NM_007294.4(BRCA1):c.1660G>A (p.Glu554Lys)

Gene: BRCA1 (BRCA1 DNA repair associated; minus strand). Cytogenetic location: 17q21.31.
Variant type: single nucleotide variant.
Coding change: c.1660G>A on transcript NM_007294.4 (MANE Select); coding-DNA position 1660, G replaced by A.
Protein change: p.Glu554Lys; replaces glutamic acid 554 with lysine.
Molecular consequence: missense variant. On other transcripts: intron variant (137).
Genome position (GRCh38, 1-based): chr17:43,093,871, C>T on the plus strand (G>A on the coding strand, the complement: BRCA1 is on the minus strand). VCF-style: chr17-43093871-C-T. GRCh37 (hg19) VCF-style: chr17-41245888-C-T.
Other names: c.1657G>A, p.Glu553Lys (NM_001407633.1, NM_001407635.1, NM_001407636.1 and 22 more transcripts); c.1660G>A, p.Glu554Lys (NM_001407641.1, NM_001407642.1, NM_001407640.1 and 30 more transcripts); c.1327G>A, p.Glu443Lys (NM_001407947.1, NM_001407948.1, NM_001407949.1 and 6 more transcripts); c.1324G>A, p.Glu442Lys (NM_001407954.1, NM_001407955.1, NM_001407956.1 and 1 more transcripts); c.1279G>A, p.Glu427Lys (NM_001407959.1, NM_001407960.1, NM_001407963.1); c.1276G>A, p.Glu426Lys (NM_001407962.1); c.1516G>A, p.Glu506Lys (NM_001407964.1, NM_001407740.1, NM_001407741.1 and 20 more transcripts); c.1156G>A, p.Glu386Lys (NM_001407965.1); and 40 more; short protein forms E258K, E386K, E426K, E483K, E487K, E513K, E528K, E551K.
Identifiers: ClinVar variation 1777482 (VCV001777482.4), dbSNP rs397508894, ClinGen allele CA10598716.

ClinVar aggregate classification (germline): Conflicting classifications of pathogenicity. Review status: criteria provided, conflicting classifications (1 of 4 stars). 2 submissions from 2 submitters: Uncertain significance (1); Likely benign (1). Last evaluated 2023-03-23.

Conditions:
Hereditary cancer-predisposing syndrome. Also called: Neoplastic Syndromes, Hereditary; Tumor predisposition; Hereditary Cancer Syndrome; Hereditary neoplastic syndrome. Identifiers: Orphanet 140162, MedGen C0027672, MeSH D009386, MONDO:0015356.

Submissions (2):

University of Washington Department of Laboratory Medicine, University of Washington
Classification: Likely benign for Hereditary cancer-predisposing syndrome. Last evaluated: 2023-03-23. Review status: criteria provided, single submitter. Criteria: Dines et al. (Genet Med. 2020). Collection method: curation. Allele origin: germline.
Comment: Missense variant in a coldspot region where missense variants are very unlikely to be pathogenic (PMID:31911673).

BRCA1 coldspot (exon 11 using historical exon numbering). Reclassification based on statistical prior probability

Ambry Genetics
Classification: Uncertain significance for Hereditary cancer-predisposing syndrome. Last evaluated: 2020-10-14. Review status: criteria provided, single submitter. Criteria: Ambry Variant Classification Scheme 2023. Collection method: clinical testing. Allele origin: germline.
Comment: The p.E554K variant (also known as c.1660G>A), located in coding exon 9 of the BRCA1 gene, results from a G to A substitution at nucleotide position 1660. The glutamic acid at codon 554 is replaced by lysine, an amino acid with similar properties. This amino acid position is well conserved in available vertebrate species. In addition, this alteration is predicted to be deleterious by in silico analysis. Since supporting evidence is limited at this time, the clinical significance of this alteration remains unclear.